The following is an entry in ClinVar:

ClinVar aggregate classification (germline): Uncertain significance (1 of 4 stars; one submission).

Allele frequency attached by ClinVar (database versions not stated): gnomAD 0.00001.
gnomAD v4.1: 1 of 1,614,002 alleles (0.000062%); highest among the groups gnomAD compares: African/African-American, 0.0013%; no homozygotes.

Submission:

Labcorp Genetics (formerly Invitae), Labcorp
Classification: Uncertain significance. Last evaluated: 2022-03-10. Review status: criteria provided, single submitter. Criteria: Invitae Variant Classification Sherloc (09022015). Collection method: clinical testing. Allele origin: germline.
Comment: This sequence change replaces threonine with serine at codon 537 of the CDH3 protein (p.Thr537Ser). The threonine residue is moderately conserved and there is a small physicochemical difference between threonine and serine. This variant is present in population databases (no rsID available, gnomAD 0.01%). This variant has not been reported in the literature in individuals affected with CDH3-related conditions. Algorithms developed to predict the effect of missense changes on protein structure and function are either unavailable or do not agree on the potential impact of this missense change (SIFT: "Not Available"; PolyPhen-2: "Probably Damaging"; Align-GVGD: "Not Available"). In summary, the available evidence is currently insufficient to determine the role of this variant in disease. Therefore, it has been classified as a Variant of Uncertain Significance.

NM_001793.6(CDH3):c.1609A>T (p.Thr537Ser)

Gene: CDH3 (cadherin 3; plus strand). Cytogenetic location: 16q22.1.
Variant type: single nucleotide variant.
Coding change: c.1609A>T on transcript NM_001793.6 (MANE Select); coding-DNA position 1609, A replaced by T.
Protein change: p.Thr537Ser; replaces threonine 537 with serine.
Molecular consequence: missense variant.
Genome position (GRCh38, 1-based): chr16:68,687,550, A>T. VCF-style: chr16-68687550-A-T. GRCh37 (hg19) VCF-style: chr16-68721453-A-T.
Other names: c.1609A>T, p.Thr537Ser (NM_001317195.3); c.1444A>T, p.Thr482Ser (NM_001317196.2); short protein forms T482S, T537S.
Identifiers: ClinVar variation 1512450 (VCV001512450.3), dbSNP rs1355330494, ClinGen allele CA396454648.